The following is an entry in ClinVar:

ClinVar aggregate classification (germline): Uncertain significance (1 of 4 stars; one submission).

Submission:

Labcorp Genetics (formerly Invitae), Labcorp
Classification: Uncertain significance. Last evaluated: 2021-11-13. Review status: criteria provided, single submitter. Criteria: Invitae Variant Classification Sherloc (09022015). Collection method: clinical testing. Allele origin: germline.
Comment: This variant is not present in population databases (gnomAD no frequency). In summary, the available evidence is currently insufficient to determine the role of this variant in disease. Therefore, it has been classified as a Variant of Uncertain Significance. Algorithms developed to predict the effect of missense changes on protein structure and function output the following: SIFT: "Tolerated"; PolyPhen-2: "Benign"; Align-GVGD: "Class C0". The valine amino acid residue is found in multiple mammalian species, which suggests that this missense change does not adversely affect protein function. This variant has not been reported in the literature in individuals affected with IL12RB2-related conditions. This sequence change replaces methionine, which is neutral and non-polar, with valine, which is neutral and non-polar, at codon 861 of the IL12RB2 protein (p.Met861Val).

NM_001374259.2(IL12RB2):c.2581A>G (p.Met861Val)

Gene: IL12RB2 (interleukin 12 receptor subunit beta 2; plus strand). Cytogenetic location: 1p31.3.
Variant type: single nucleotide variant.
Coding change: c.2581A>G on transcript NM_001374259.2 (MANE Select); coding-DNA position 2581, A replaced by G.
Protein change: p.Met861Val; replaces methionine 861 with valine.
Molecular consequence: missense variant. On other transcripts: 3 prime UTR variant (3), non-coding transcript variant (2).
Genome position (GRCh38, 1-based): chr1:67,396,081, A>G. VCF-style: chr1-67396081-A-G. GRCh37 (hg19) VCF-style: chr1-67861764-A-G.
Other names: c.*501A>G (NM_001258214.1, NM_001319233.1); c.2323A>G, p.Met775Val (NM_001258215.1); c.*482A>G (NM_001258216.1); c.2581A>G, p.Met861Val (NM_001559.3); short protein forms M775V, M861V.
Identifiers: ClinVar variation 1466255 (VCV001466255.6), dbSNP rs2100363043, ClinGen allele CA340736317.